The following is an entry in ClinVar:

NM_000214.3(JAG1):c.224T>G (p.Phe75Cys)

Gene: JAG1 (jagged canonical Notch ligand 1; minus strand). Cytogenetic location: 20p12.2.
Variant type: single nucleotide variant.
Coding change: c.224T>G on transcript NM_000214.3 (MANE Select); coding-DNA position 224, T replaced by G.
Protein change: p.Phe75Cys; replaces phenylalanine 75 with cysteine.
Molecular consequence: missense variant.
Genome position (GRCh38, 1-based): chr20:10,672,864, A>C on the plus strand (T>G on the coding strand, the complement: JAG1 is on the minus strand). VCF-style: chr20-10672864-A-C. GRCh37 (hg19) VCF-style: chr20-10653512-A-C.
Other names: short protein forms F75C.
Identifiers: ClinVar variation 3573426 (VCV003573426.2).
Genomic context (GRCh38, chr20:10,672,864, plus strand): 5'-CCGAAGCTGCAGGGCCCCCCGGCCGTGACGCGGGACTGATACTCCTTGAGGCACACTTTG[A>C]AGTATGTGTCACACTCGTCGCGGGTGCACTTGCGGTCTCCCGGGTTCCGGGCGCCGCCGC-3'
Protein context (NP_000205.1, residues 65-85): KCTRDECDTY[Phe75Cys]KVCLKEYQSR

Conditions:
Arteriohepatic dysplasia. Also called: Alagille Syndrome. Identifiers: Orphanet 52, MedGen C0085280, MeSH D016738, MONDO:0007318.

Submission:

Gilbert/Spinner Lab, Children's Hospital of Philadelphia
No classification provided (evidence only). Condition: Alagille syndrome. Review status: no classification provided. Collection method: research. Allele origin: not applicable. Functional consequence: functionally_abnormal.
ClinVar note: "not provided" was previously submitted as the classification for the variant. However, the classification appeared to be based only on an observation of functional data so it was converted to no classification on 2025-07-30.